The following is an entry in ClinVar:

ClinVar aggregate classification (germline): Uncertain significance. Review status: criteria provided, multiple submitters, no conflicts (2 of 4 stars). 3 submissions from 3 submitters: Uncertain significance (3). Last evaluated 2025-01-16.

Conditions:
Inborn genetic diseases. Identifiers: MedGen C0950123, MeSH D030342.
Malignant hyperthermia, susceptibility to, 1 (MHS1). Also called: Anesthesia related hyperthermia; Malignant hyperpyrexia; Fulminating hyperpyrexia; Pharmacogenic myopathy; RYR1-Related Malignant Hyperthermia Susceptibility; Malignant hyperthermia suceptibility 1. Identifiers: Orphanet 423, MedGen C2930980, MONDO:0007783, OMIM 145600.

gnomAD v4.1: 5 of 1,614,070 alleles (0.00031%); highest among the groups gnomAD compares: Non-Finnish European, 0.00042%; no homozygotes.

Submissions (3):

Ambry Genetics
Classification: Uncertain significance for Inborn genetic diseases. Last evaluated: 2025-01-16. Review status: criteria provided, single submitter. Criteria: Ambry Variant Classification Scheme 2023. Collection method: clinical testing. Allele origin: germline.

All of Us Research Program, National Institutes of Health
Classification: Uncertain significance for Malignant hyperthermia, susceptibility to, 1. Last evaluated: 2023-08-08. Review status: criteria provided, single submitter. Criteria: ACMG Guidelines, 2015. Collection method: clinical testing. Allele origin: germline. Inheritance: Autosomal dominant inheritance. Observed: 1 variant allele, 1 heterozygote.
Comment: This missense variant replaces valine with leucine at codon 2070 of the RYR1 protein. Computational prediction suggests that this variant may not impact protein structure and function (internally defined REVEL score threshold <= 0.5, PMID: 27666373). To our knowledge, functional studies have not been reported for this variant. This variant has not been reported in individuals affected with RYR1-related disorders in the literature. This variant has been identified in 2/251220 chromosomes in the general population by the Genome Aggregation Database (gnomAD). The available evidence is insufficient to determine the role of this variant in disease conclusively. Therefore, this variant is classified as a Variant of Uncertain Significance.

This study involves interpretation of variants in research participants for the purpose of population health screening. Participant phenotype was not available at the time of variant classification. Additional details can be found in publication PMID: 35346344, PMCID: PMC8962531

Color Diagnostics, LLC DBA Color Health
Classification: Uncertain significance for Malignant hyperthermia, susceptibility to, 1. Last evaluated: 2023-07-21. Review status: criteria provided, single submitter. Criteria: ACMG Guidelines, 2015. Collection method: clinical testing. Allele origin: germline.
Comment: This missense variant replaces valine with leucine at codon 2070 of the RYR1 protein. Computational prediction suggests that this variant may not impact protein structure and function. To our knowledge, functional studies have not been reported for this variant. This variant has not been reported in individuals affected with RYR1-related disorders in the literature. This variant has been identified in 2/251220 chromosomes in the general population by the Genome Aggregation Database (gnomAD). The available evidence is insufficient to determine the role of this variant in disease conclusively. Therefore, this variant is classified as a Variant of Uncertain Significance.

NM_000540.3(RYR1):c.6208G>T (p.Val2070Leu)

Gene: RYR1 (ryanodine receptor 1; plus strand). Cytogenetic location: 19q13.2.
Variant type: single nucleotide variant.
Coding change: c.6208G>T on transcript NM_000540.3 (MANE Select); coding-DNA position 6208, G replaced by T.
Protein change: p.Val2070Leu; replaces valine 2070 with leucine.
Molecular consequence: missense variant.
Genome position (GRCh38, 1-based): chr19:38,492,570, G>T. VCF-style: chr19-38492570-G-T. GRCh37 (hg19) VCF-style: chr19-38983210-G-T.
Other names: c.6208G>T, p.Val2070Leu (NM_001042723.2); short protein forms V2070L.
Identifiers: ClinVar variation 3072596 (VCV003072596.3), dbSNP rs749274175, ClinGen allele CA405662286.